The following is an entry in ClinVar:

ClinVar aggregate classification (germline): Uncertain significance (1 of 4 stars; one submission).

Submission:

GeneDx
Classification: Uncertain significance. Last evaluated: 2023-01-24. Review status: criteria provided, single submitter. Criteria: GeneDx Variant Classification Process June 2021. Collection method: clinical testing. Allele origin: germline. Affected: yes.
Comment: Not observed at significant frequency in large population cohorts (gnomAD); In silico analysis supports that this missense variant does not alter protein structure/function; Has not been previously published as pathogenic or benign to our knowledge

NM_006767.4(LZTR1):c.1414A>G (p.Arg472Gly)

Gene: LZTR1 (leucine zipper like post translational regulator 1; plus strand). Cytogenetic location: 22q11.21.
Variant type: single nucleotide variant.
Coding change: c.1414A>G on transcript NM_006767.4 (MANE Select); coding-DNA position 1414, A replaced by G.
Protein change: p.Arg472Gly; replaces arginine 472 with glycine.
Molecular consequence: missense variant.
Genome position (GRCh38, 1-based): chr22:20,993,984, A>G. VCF-style: chr22-20993984-A-G. GRCh37 (hg19) VCF-style: chr22-21348273-A-G.
Other names: short protein forms R472G.
Identifiers: ClinVar variation 2573894 (VCV002573894.1), dbSNP rs2518620536, ClinGen allele CA410775227.